The following is an entry in ClinVar:

NM_004036.5(ADCY3):c.2417G>A (p.Arg806His)

Gene: ADCY3 (adenylate cyclase 3; minus strand). Cytogenetic location: 2p23.3.
Variant type: single nucleotide variant.
Coding change: c.2417G>A on transcript NM_004036.5 (MANE Select); coding-DNA position 2417, G replaced by A.
Protein change: p.Arg806His; replaces arginine 806 with histidine.
Molecular consequence: missense variant. On other transcripts: intron variant (1).
Genome position (GRCh38, 1-based): chr2:24,827,917, C>T on the plus strand (G>A on the coding strand, the complement: ADCY3 is on the minus strand). VCF-style: chr2-24827917-C-T. GRCh37 (hg19) VCF-style: chr2-25050786-C-T.
Other names: c.2417G>A, p.Arg806His (NM_001320613.2, NM_001377132.1); c.2483G>A, p.Arg828His (NM_001377128.1); c.2279G>A, p.Arg760His (NM_001377129.1); c.1694G>A, p.Arg565His (NM_001377131.1); c.2172+2792G>A (NM_001377130.1); c.2417G>A (NM_001320613.1); short protein forms R565H, R806H, R828H, R760H.
Identifiers: ClinVar variation 2051272 (VCV002051272.4), dbSNP rs185180064, ClinGen allele CA1553782.

ClinVar aggregate classification (germline): Uncertain significance. Review status: criteria provided, single submitter (1 of 4 stars). 2 submissions from 2 submitters: Uncertain significance (1). 1 of the submissions does not count toward it. Last evaluated 2022-06-30.

Conditions:
ADCY3-related disorder. Also called: ADCY3-related condition.

Allele frequency attached by ClinVar (database versions not stated): gnomAD 0.00007; ESP Exome Variant Server 0.00008; ExAC 0.00010; TOPMed 0.00017; 1000 Genomes Project 30x 0.00047; 1000 Genomes Project 0.00060.
gnomAD v4.1: 56 of 1,614,148 alleles (0.0035%); highest among the groups gnomAD compares: Admixed American, 0.057%; no homozygotes.

Submissions (2):

Labcorp Genetics (formerly Invitae), Labcorp
Classification: Uncertain significance. Last evaluated: 2022-06-30. Review status: criteria provided, single submitter. Criteria: Invitae Variant Classification Sherloc (09022015). Collection method: clinical testing. Allele origin: germline.
Comment: This sequence change replaces arginine, which is basic and polar, with histidine, which is basic and polar, at codon 806 of the ADCY3 protein (p.Arg806His). This variant is present in population databases (rs185180064, gnomAD 0.06%). This variant has not been reported in the literature in individuals affected with ADCY3-related conditions. Algorithms developed to predict the effect of missense changes on protein structure and function are either unavailable or do not agree on the potential impact of this missense change (SIFT: "Not Available"; PolyPhen-2: "Benign"; Align-GVGD: "Not Available"). In summary, the available evidence is currently insufficient to determine the role of this variant in disease. Therefore, it has been classified as a Variant of Uncertain Significance.

PreventionGenetics, part of Exact Sciences
Classification: Uncertain significance for ADCY3-related condition. Last evaluated: 2024-02-14. Review status: no assertion criteria provided. Collection method: clinical testing. Allele origin: germline. Not counted in ClinVar's aggregate classification.
Comment: The ADCY3 c.2417G>A variant is predicted to result in the amino acid substitution p.Arg806His. To our knowledge, this variant has not been reported in the literature. This variant is reported in 0.064% of alleles in individuals of Latino descent in gnomAD, which may be too common to be a disease causing variant. Although we suspect that this variant may be benign, at this time, the clinical significance of this variant is uncertain due to the absence of conclusive functional and genetic evidence.